The following is an entry in ClinVar:

ClinVar aggregate classification (germline): Uncertain significance (1 of 4 stars; one submission).

Allele frequency attached by ClinVar (database versions not stated): TOPMed 0.00001; gnomAD 0.00002.
gnomAD v4.1: 3 of 1,614,122 alleles (0.00019%); highest among the groups gnomAD compares: Admixed American, 0.005%; 1 homozygote.

Submission:

Labcorp Genetics (formerly Invitae), Labcorp
Classification: Uncertain significance. Last evaluated: 2021-12-30. Review status: criteria provided, single submitter. Criteria: Invitae Variant Classification Sherloc (09022015). Collection method: clinical testing. Allele origin: germline.
Comment: This sequence change replaces proline, which is neutral and non-polar, with alanine, which is neutral and non-polar, at codon 77 of the MLC1 protein (p.Pro77Ala). This variant is not present in population databases (gnomAD no frequency). This variant has not been reported in the literature in individuals affected with MLC1-related conditions. Algorithms developed to predict the effect of missense changes on protein structure and function (SIFT, PolyPhen-2, Align-GVGD) all suggest that this variant is likely to be disruptive. In summary, the available evidence is currently insufficient to determine the role of this variant in disease. Therefore, it has been classified as a Variant of Uncertain Significance.

NM_015166.4(MLC1):c.229C>G (p.Pro77Ala)

Genes: MLC1 (modulator of VRAC current 1; minus strand), LOC125446261 (Sharpr-MPRA regulatory region 9327; plus strand). Cytogenetic location: 22q13.33.
Variant type: single nucleotide variant.
Coding change: c.229C>G on transcript NM_015166.4 (MANE Select); coding-DNA position 229, C replaced by G.
Protein change: p.Pro77Ala; replaces proline 77 with alanine.
Molecular consequence: missense variant. On other transcripts: 5 prime UTR variant (1), non-coding transcript variant (3), intron variant (1).
Genome position (GRCh38, 1-based): chr22:50,083,122, G>C on the plus strand (C>G on the coding strand, the complement: MLC1 is on the minus strand). VCF-style: chr22-50083122-G-C. GRCh37 (hg19) VCF-style: chr22-50521551-G-C.
Other names: c.229C>G, p.Pro77Ala (NM_001376472.1, NM_001376473.1, NM_001376474.1 and 9 more transcripts); c.-9C>G (NM_001376484.1); c.177+1604C>G (NM_001376480.1); short protein forms P77A.
Identifiers: ClinVar variation 1899894 (VCV001899894.2), dbSNP rs1259479522, ClinGen allele CA412111605.